The following is an entry in ClinVar:

ClinVar aggregate classification (germline): Benign/Likely benign. Review status: criteria provided, multiple submitters, no conflicts (2 of 4 stars). 7 submissions from 7 submitters: Benign (6); Likely benign (1). Last evaluated 2026-02-01.

Conditions:
Imerslund-Grasbeck syndrome type 1 (IGS1). Also called: MEGALOBLASTIC ANEMIA, 1; Megaloblastic anemia 1, Finnish type; Imerslund-Gräsbeck syndrome 1. Identifiers: MedGen C4016819, MONDO:0100156, OMIM 261100.
Imerslund-Grasbeck syndrome. Also called: ENTEROCYTE COBALAMIN MALABSORPTION; ENTEROCYTE INTRINSIC FACTOR RECEPTOR, DEFECT OF; PERNICIOUS ANEMIA, JUVENILE, DUE TO SELECTIVE INTESTINAL MALABSORPTION OF VITAMIN B12, WITH PROTEINURIA; Megaloblastic anemia due to inborn errors of metabolism; Imerslund-Gräsbeck syndrome. Identifiers: Orphanet 35858, MedGen C4551825, MONDO:0009853.

Allele frequency attached by ClinVar (database versions not stated): 1000 Genomes Project 0.00479; 1000 Genomes Project 30x 0.00531; ESP Exome Variant Server 0.00738; TOPMed 0.00836; gnomAD exomes 0.01015 and 0.01537; ExAC 0.01395; gnomAD 0.01542.
gnomAD v4.1: 16,381 of 1,613,178 alleles (1%); highest among the groups gnomAD compares: Admixed American, 3%; 198 homozygotes.

Submissions (17):

Labcorp Genetics (formerly Invitae), Labcorp
Classification: Benign for Imerslund-Grasbeck syndrome. Last evaluated: 2026-02-01. Review status: criteria provided, single submitter. Criteria: Invitae Variant Classification Sherloc (09022015). Collection method: clinical testing. Allele origin: germline.

Blueprint Genetics
Classification: Likely benign. Last evaluated: 2024-11-27. Review status: criteria provided, single submitter. Criteria: ACMG Guidelines, 2015. Collection method: clinical testing. Allele origin: germline.

ARUP Laboratories, Molecular Genetics and Genomics, ARUP Laboratories
Classification: Benign. Last evaluated: 2024-04-19. Review status: criteria provided, single submitter. Criteria: ARUP Molecular Germline Variant Investigation Process 2024. Collection method: clinical testing. Allele origin: germline.

Mayo Clinic Laboratories, Mayo Clinic
Classification: Benign. Last evaluated: 2024-02-17. Review status: criteria provided, single submitter. Criteria: ACMG Guidelines, 2015. Collection method: clinical testing. Allele origin: germline. Observed: 2 variant alleles.

GeneDx
Classification: Benign. Last evaluated: 2018-07-07. Review status: criteria provided, single submitter. Criteria: GeneDx Variant Classification Process June 2021. Collection method: clinical testing. Allele origin: germline. Affected: yes.

Illumina Laboratory Services, Illumina
Classification: Benign for Imerslund-Grasbeck syndrome type 1. Last evaluated: 2018-01-13. Review status: criteria provided, single submitter. Criteria: ICSL Variant Classification Criteria 13 December 2019. Collection method: clinical testing. Allele origin: germline.
Comment: This variant was observed in the ICSL laboratory as part of a predisposition screen in an ostensibly healthy population. It had not been previously curated by ICSL or reported in the Human Gene Mutation Database (HGMD: prior to June 1st, 2018), and was therefore a candidate for classification through an automated scoring system. Utilizing variant allele frequency, disease prevalence and penetrance estimates, and inheritance mode, an automated score was calculated to assess if this variant is too frequent to cause the disease. Based on the score and internal cut-off values, a variant classified as benign is not then subjected to further curation. The score for this variant resulted in a classification of benign for this disease.

Breakthrough Genomics
Classification: Benign. Review status: criteria provided, single submitter. Criteria: ACMG Guidelines, 2015. Collection method: not provided. Allele origin: germline. Inheritance: Autosomal recessive inheritance. Affected: yes.

Dr. Peter K. Rogan Lab, Western University
No classification provided (evidence only). Condition: Clear cell carcinoma of kidney. Review status: no classification provided. Collection method: in vitro. Allele origin: not applicable. Functional consequence: retained intron. Not counted in ClinVar's aggregate classification.

Dr. Peter K. Rogan Lab, Western University
No classification provided (evidence only). Condition: Clear cell carcinoma of kidney. Review status: no classification provided. Collection method: in vitro. Allele origin: not applicable. Functional consequence: retained intron. Not counted in ClinVar's aggregate classification.

Dr. Peter K. Rogan Lab, Western University
No classification provided (evidence only). Condition: Clear cell carcinoma of kidney. Review status: no classification provided. Collection method: in vitro. Allele origin: not applicable. Functional consequence: retained intron. Not counted in ClinVar's aggregate classification.

Dr. Peter K. Rogan Lab, Western University
No classification provided (evidence only). Condition: Clear cell carcinoma of kidney. Review status: no classification provided. Collection method: in vitro. Allele origin: not applicable. Functional consequence: skipped exon, retained intron. Not counted in ClinVar's aggregate classification.

Dr. Peter K. Rogan Lab, Western University
No classification provided (evidence only). Condition: Clear cell carcinoma of kidney. Review status: no classification provided. Collection method: in vitro. Allele origin: not applicable. Functional consequence: retained intron. Not counted in ClinVar's aggregate classification.

Dr. Peter K. Rogan Lab, Western University
No classification provided (evidence only). Condition: Acute myeloid leukemia. Review status: no classification provided. Collection method: in vitro. Allele origin: not applicable. Functional consequence: retained intron. Not counted in ClinVar's aggregate classification.

Dr. Peter K. Rogan Lab, Western University
No classification provided (evidence only). Condition: Thyroid cancer, nonmedullary, 1. Review status: no classification provided. Collection method: in vitro. Allele origin: not applicable. Functional consequence: retained intron. Not counted in ClinVar's aggregate classification.

Dr. Peter K. Rogan Lab, Western University
No classification provided (evidence only). Condition: Thyroid cancer, nonmedullary, 1. Review status: no classification provided. Collection method: in vitro. Allele origin: not applicable. Functional consequence: retained intron. Not counted in ClinVar's aggregate classification.

Dr. Peter K. Rogan Lab, Western University
No classification provided (evidence only). Condition: Thymoma. Review status: no classification provided. Collection method: in vitro. Allele origin: not applicable. Functional consequence: retained intron. Not counted in ClinVar's aggregate classification.

Dr. Peter K. Rogan Lab, Western University
No classification provided (evidence only). Condition: Gastric cancer. Review status: no classification provided. Collection method: in vitro. Allele origin: not applicable. Functional consequence: retained intron. Not counted in ClinVar's aggregate classification.

NM_001081.4(CUBN):c.5924C>T (p.Pro1975Leu)

Gene: CUBN (cubilin; minus strand). Cytogenetic location: 10p13.
Variant type: single nucleotide variant.
Coding change: c.5924C>T on transcript NM_001081.4 (MANE Select); coding-DNA position 5924, C replaced by T.
Protein change: p.Pro1975Leu; replaces proline 1975 with leucine.
Molecular consequence: missense variant.
Genome position (GRCh38, 1-based): chr10:16,937,594, G>A on the plus strand (C>T on the coding strand, the complement: CUBN is on the minus strand). VCF-style: chr10-16937594-G-A. GRCh37 (hg19) VCF-style: chr10-16979593-G-A.
Other names: p.Pro1975Leu; short protein forms P1975L.
Identifiers: ClinVar variation 299450 (VCV000299450.20), dbSNP rs41289303, ClinGen allele CA5423874.